The following is an entry in ClinVar:

NM_000742.4(CHRNA2):c.73+5G>A

Gene: CHRNA2 (cholinergic receptor nicotinic alpha 2 subunit; minus strand). Cytogenetic location: 8p21.2.
Variant type: single nucleotide variant.
Coding change: c.73+5G>A on transcript NM_000742.4 (MANE Select); 5 bases into the intron after coding-DNA position 73, G replaced by A.
Molecular consequence: intron variant.
Genome position (GRCh38, 1-based): chr8:27,470,981, C>T on the plus strand (G>A on the coding strand, the complement: CHRNA2 is on the minus strand). VCF-style: chr8-27470981-C-T. GRCh37 (hg19) VCF-style: chr8-27328498-C-T.
Other names: c.-355+5G>A (NM_001347705.2); c.73+5G>A (NM_001282455.2); c.-389+5G>A (NM_001347708.2); c.-400+5G>A (NM_001347706.2); c.-341+5G>A (NM_001347707.2).
Identifiers: ClinVar variation 2429600 (VCV002429600.1), dbSNP rs2490581435, ClinGen allele CA2580078149.

ClinVar aggregate classification (germline): Uncertain significance (1 of 4 stars; one submission).

Submission:

GeneDx
Classification: Uncertain significance. Last evaluated: 2022-08-09. Review status: criteria provided, single submitter. Criteria: GeneDx Variant Classification Process June 2021. Collection method: clinical testing. Allele origin: germline. Affected: yes.
Comment: Not observed at significant frequency in large population cohorts (gnomAD); Has not been previously published as pathogenic or benign to our knowledge; In-silico analysis is inconclusive as to whether the variant alters gene splicing. In the absence of RNA/functional studies, the actual effect of this sequence change is unknown.